The following is an entry in ClinVar:

ClinVar aggregate classification (germline): Likely pathogenic (1 of 4 stars; one submission).

Conditions:
Popliteal pterygium syndrome (PPS). Identifiers: Orphanet 294963, MedGen C0265259, MONDO:0017435.
Van der Woude syndrome. Identifiers: Orphanet 888, MedGen C0175697, MONDO:0019508.
Orofacial cleft 6, susceptibility to (OFC6). Also called: CLEFT LIP WITH OR WITHOUT CLEFT PALATE, NONSYNDROMIC, 6. Identifiers: MedGen C1837213, MONDO:0012141, OMIM 608864.

Submission:

Labcorp Genetics (formerly Invitae), Labcorp
Classification: Likely pathogenic for Orofacial cleft 6, susceptibility to; Van der Woude syndrome; Popliteal pterygium syndrome. Last evaluated: 2022-11-29. Review status: criteria provided, single submitter. Criteria: Invitae Variant Classification Sherloc (09022015). Collection method: clinical testing. Allele origin: germline.
Comment: This variant is not present in population databases (gnomAD no frequency). This sequence change replaces alanine, which is neutral and non-polar, with serine, which is neutral and polar, at codon 59 of the IRF6 protein (p.Ala59Ser). This missense change has been observed in individuals with van der Woude syndrome (PMID: 19282774; Invitae). Algorithms developed to predict the effect of missense changes on protein structure and function (SIFT, PolyPhen-2, Align-GVGD) all suggest that this variant is likely to be disruptive. This variant disrupts the p.Ala59 amino acid residue in IRF6. Other variant(s) that disrupt this residue have been determined to be pathogenic (PMID: 21045959; Invitae). This suggests that this residue is clinically significant, and that variants that disrupt this residue are likely to be disease-causing. In summary, the currently available evidence indicates that the variant is pathogenic, but additional data are needed to prove that conclusively. Therefore, this variant has been classified as Likely Pathogenic.

Literature cited by the submitters: PubMed 19282774; PubMed 21045959.

NM_006147.4(IRF6):c.175G>T (p.Ala59Ser)

Gene: IRF6 (interferon regulatory factor 6; minus strand). Cytogenetic location: 1q32.2.
Variant type: single nucleotide variant.
Coding change: c.175G>T on transcript NM_006147.4 (MANE Select); coding-DNA position 175, G replaced by T.
Protein change: p.Ala59Ser; replaces alanine 59 with serine.
Molecular consequence: missense variant. On other transcripts: 5 prime UTR variant (1).
Genome position (GRCh38, 1-based): chr1:209,796,552, C>A on the plus strand (G>T on the coding strand, the complement: IRF6 is on the minus strand). VCF-style: chr1-209796552-C-A. GRCh37 (hg19) VCF-style: chr1-209969897-C-A.
Other names: c.-111G>T (NM_001206696.2); short protein forms A59S.
Identifiers: ClinVar variation 2925313 (VCV002925313.3), dbSNP rs2464683838, ClinGen allele CA344583839.